The following is an entry in ClinVar:

ClinVar aggregate classification (germline): Pathogenic (1 of 4 stars; one submission).

Submission:

GeneDx
Classification: Pathogenic. Last evaluated: 2016-12-06. Review status: criteria provided, single submitter. Criteria: GeneDx Variant Classification (06012015). Collection method: clinical testing. Allele origin: germline. Affected: yes.
Comment: The c.577_579delAAGinsTTCTT variant in the DYRK1A gene has not been reported previously as a pathogenic variant nor as a benign variant, to our knowledge. The c.577_579delAAGinsTTCTT variant causes a frameshift starting with codon Lysine 193, changes this amino acid to a Phenylalanine residue, and creates a premature Stop codon at position 6 of the new reading frame, denoted p.Lys193PhefsX6. This variant is predicted to cause loss of normal protein function either through protein truncation or nonsense-mediated mRNA decay. The c.577_579delAAGinsTTCTT variant was not observed in approximately 6500 individuals of European and African American ancestry in the NHLBI Exome Sequencing Project, indicating it is not a common benign variant in these populations. We interpret c.577_579delAAGinsTTCTT as a pathogenic variant.

NM_001347721.2(DYRK1A):c.550_552delinsTTCTT (p.Lys184fs)

Gene: DYRK1A (dual specificity tyrosine phosphorylation regulated kinase 1A; plus strand). Cytogenetic location: 21q22.13.
Variant type: Indel.
Coding change: c.550_552delinsTTCTT on transcript NM_001347721.2 (MANE Select); coding-DNA positions 550 to 552, AAG replaced by TTCTT.
Protein change: p.Lys184fs; shifts the reading frame from lysine 184.
Molecular consequence: frameshift variant.
Genome position (GRCh38, 1-based): chr21:37,486,527-37,486,529, AAG replaced by TTCTT. VCF-style: chr21-37486527-AAG-TTCTT. GRCh37 (hg19) VCF-style: chr21-38858829-AAG-TTCTT.
Other names: c.550_552delinsTTCTT, p.Lys184fs (NM_001347722.2, NM_130436.2); c.463_465delinsTTCTT, p.Lys155fs (NM_001347723.2); c.577_579delinsTTCTT, p.Lys193fs (NM_001396.5, NM_101395.2, NM_130438.2); short protein forms K184fs, K193fs, K155fs.
Identifiers: ClinVar variation 373735 (VCV000373735.2), dbSNP rs1057518580, ClinGen allele CA16043150.